The following is an entry in ClinVar:

ClinVar aggregate classification (germline): Pathogenic. Review status: criteria provided, multiple submitters, no conflicts (2 of 4 stars). 9 submissions from 9 submitters: Pathogenic (7). 2 of the submissions do not count toward it. Last evaluated 2025-03-10.

Conditions:
Fanconi anemia (FA). Also called: Fanconi's anemia. Identifiers: Orphanet 84, MedGen C0015625, MeSH D005199, MONDO:0019391.
Fanconi anemia complementation group A (FANCA). Also called: FANCA-Related Fanconi Anemia; Fanconi anemia, group A. Identifiers: Orphanet 84, MedGen C3469521, MONDO:0009215, OMIM 227650.

Submissions (9):

Women's Health and Genetics/Laboratory Corporation of America, LabCorp
Classification: Pathogenic for Fanconi anemia. Last evaluated: 2025-03-10. Review status: criteria provided, single submitter. Criteria: LabCorp Variant Classification Summary - May 2015. Collection method: clinical testing. Allele origin: germline.
Comment: Variant summary: FANCA c.2853-15_2856del19 is located in a canonical splice-site and is predicted to affect mRNA splicing resulting in a significantly altered protein due to either exon skipping, shortening, or inclusion of intronic material. Several computational tools predict a significant impact on normal splicing: Four predict the variant abolishes a 3' acceptor site. However, to our knowledge, these predictions have yet to be confirmed by functional studies. The variant was absent in 251182 control chromosomes. c.2853-15_2856del19 has been reported in the literature in multiple individuals affected with Fanconi Anemia (eg. Levran_1997, Levran_2005, Pilonetto_2017). These data indicate that the variant is very likely to be associated with disease. To our knowledge, no experimental evidence demonstrating an impact on protein function has been reported. The following publications have been ascertained in the context of this evaluation (PMID: 28717661, 15643609, 9371798). ClinVar contains an entry for this variant (Variation ID: 550055). Based on the evidence outlined above, the variant was classified as pathogenic.

Natera, Inc.
Classification: Pathogenic for Fanconi anemia. Last evaluated: 2024-05-28. Review status: criteria provided, single submitter. Criteria: Natera Variant Classification Schema (03/2026). Collection method: clinical testing. Allele origin: germline.
Comment: The c.2853-15_2856delTGTTTGCTGTTCTAGGCAG variant in FANCA is a deletion affecting a canonical splice acceptor site. This variant is expected to result in nonsense mediated decay, truncation, or a dysfunctional protein product. This variant is expected to result in nonsense mediated decay, truncation, or a dysfunctional protein product. This variant is rare in the general population with a frequency below the threshold expected for the associated phenotype(s). This variant has been observed in one or more individuals affected with the associated recessive disease, as either homozygous or compound heterozygous with a second variant (PMID: 28717661, 25239263). Given the available evidence, this variant is classified as Pathogenic.

Fulgent Genetics
Classification: Pathogenic for Fanconi anemia complementation group A. Last evaluated: 2024-05-13. Review status: criteria provided, single submitter. Criteria: ACMG Guidelines, 2015. Collection method: clinical testing. Allele origin: germline.

Quest Diagnostics Nichols Institute San Juan Capistrano
Classification: Pathogenic. Last evaluated: 2024-05-02. Review status: criteria provided, single submitter. Criteria: Quest Diagnostics criteria. Collection method: clinical testing. Allele origin: unknown.
Comment: The FANCA c.2853-15_2856del variant disrupts a canonical splice-acceptor site and interferes with normal FANCA mRNA splicing. This variant has been reported in the published literature in individuals with Fanconi anemia (PMIDs: 28717661 (2017), 17924555 (2008), 9371798 (1997)). This variant has not been reported in large, multi-ethnic general populations (Genome Aggregation Database). Based on the available information, this variant is classified as pathogenic.

Baylor Genetics
Classification: Pathogenic for Fanconi anemia complementation group A. Last evaluated: 2024-03-19. Review status: criteria provided, single submitter. Criteria: ACMG Guidelines, 2015. Collection method: clinical testing. Allele origin: unknown.

Labcorp Genetics (formerly Invitae), Labcorp
Classification: Pathogenic for Fanconi anemia. Last evaluated: 2023-10-13. Review status: criteria provided, single submitter. Criteria: Invitae Variant Classification Sherloc (09022015). Collection method: clinical testing. Allele origin: germline.
Comment: This variant results in the deletion of part of exon 30 (c.2853-15_2856del) of the FANCA gene. It is expected to disrupt RNA splicing. Variants that disrupt the donor or acceptor splice site typically lead to a loss of protein function (PMID: 16199547), and loss-of-function variants in FANCA are known to be pathogenic (PMID: 19367192). This variant is not present in population databases (gnomAD no frequency). This variant has been observed in individuals with Fanconi anemia (PMID: 9371798, 17924555, 28717661). This variant is also known as c.2853-19del19 or IVS29(-19)-1del. ClinVar contains an entry for this variant (Variation ID: 550055). For these reasons, this variant has been classified as Pathogenic.

3billion
Classification: Pathogenic for Fanconi anemia complementation group A. Last evaluated: 2023-02-23. Review status: criteria provided, single submitter. Criteria: ACMG Guidelines, 2015. Collection method: clinical testing. Allele origin: unknown. Affected: yes.
Comment: The variant is not observed in the gnomAD v2.1.1 dataset. This variant was predicted to alter splicing and result in a loss or disruption of normal protein function. Multiple pathogenic loss-of-function variants are reported downstream of the variant. The variant has been reported at least twice as pathogenic with clinical assertions and evidence for the classification (ClinVar ID: VCV000550055 / PMID: 9371798). Therefore, this variant is classified as Pathogenic according to the recommendation of ACMG/AMP guideline.

Leiden Open Variation Database
Classification: Pathogenic for Fanconi anemia complementation group A. Last evaluated: 2020-02-28. Review status: no assertion criteria provided. Collection method: curation. Allele origin: germline. Affected: no. Not counted in ClinVar's aggregate classification.
Comment: Curator: Arleen D. Auerbach. Submitters to LOVD: Arleen D. Auerbach, Daniela Pilonetto, Johan de Winter.

Counsyl
Classification: Likely pathogenic for Fanconi anemia complementation group A. Last evaluated: 2017-10-05. Review status: no assertion criteria provided. Collection method: clinical testing. Allele origin: unknown. Not counted in ClinVar's aggregate classification.

Literature cited by the submitters: PubMed 28717661 (cited by 4 submitters); PubMed 15643609 (cited by Women's Health and Genetics/Laboratory Corporation of America, LabCorp and Quest Diagnostics Nichols Institute San Juan Capistrano); PubMed 9371798 (cited by 5 submitters); PubMed 25239263 (cited by Natera, Inc.); PubMed 17924555 (cited by 4 submitters); PubMed 16199547 (cited by Labcorp Genetics (formerly Invitae), Labcorp); PubMed 19367192 (cited by Labcorp Genetics (formerly Invitae), Labcorp).

NM_000135.4(FANCA):c.2853-15_2856del

Gene: FANCA (FA complementation group A; minus strand). Cytogenetic location: 16q24.3.
Variant type: Deletion.
Coding change: c.2853-15_2856del on transcript NM_000135.4 (MANE Select); 15 bases into the intron before coding-DNA position 2853 through coding-DNA position 2856, 19 bases deleted (TGTTTGCTGTTCTAGGCAG).
Molecular consequence: splice acceptor variant.
Genome position (GRCh38, 1-based): chr16:89,758,702-89,758,720, CTGCCTAGAACAGCAAACA deleted on the plus strand (TGTTTGCTGTTCTAGGCAG on the coding strand, the reverse complement: FANCA is on the minus strand); deleting any 19 consecutive bases within chr16:89,758,702-89,758,724 gives the same sequence; the c. name uses the placement nearest the transcript's 3' end. VCF-style (leftmost placement, unchanged base first): chr16-89758701-CCTGCCTAGAACAGCAAACA-C. GRCh37 (hg19) VCF-style: chr16-89825109-CCTGCCTAGAACAGCAAACA-C.
Other names: c.2853-15_2856del (LRG_495t1, NM_000135.3, NM_001286167.3); c.2853-15_2856del19 (NM_000135.2, NM_000135.4); c.2853-15_2856delTGTTTGCTGTTCTAGGCAG (NM_000135.3).
Identifiers: ClinVar variation 550055 (VCV000550055.19), dbSNP rs1285346388, ClinGen allele CA658824820.
Genomic context (GRCh38, chr16:89,758,701, plus strand): 5'-AGCCCCCTGAAGCCGAGGACTCAGGGAGAAAGTGCTCATGGATCGCCCACTGGTGGAAGT[CCTGCCTAGAACAGCAAACA>C]CTGCTATCAATTCTGAGAAATGCTTCGTGGCCAGCGGTTCCCCATAACCAGGGAATAGGC-3'